The following is an entry in ClinVar:

NM_144631.6(ZNF513):c.768G>C (p.Glu256Asp)

Gene: ZNF513 (zinc finger protein 513; minus strand). Cytogenetic location: 2p23.3.
Variant type: single nucleotide variant.
Coding change: c.768G>C on transcript NM_144631.6 (MANE Select); coding-DNA position 768, G replaced by C.
Protein change: p.Glu256Asp; replaces glutamic acid 256 with aspartic acid.
Molecular consequence: missense variant.
Genome position (GRCh38, 1-based): chr2:27,378,498, C>G on the plus strand (G>C on the coding strand, the complement: ZNF513 is on the minus strand). VCF-style: chr2-27378498-C-G. GRCh37 (hg19) VCF-style: chr2-27601365-C-G.
Other names: c.582G>C, p.Glu194Asp (NM_001201459.2); short protein forms E194D, E256D.
Identifiers: ClinVar variation 3693417 (VCV003693417.2).

ClinVar aggregate classification (germline): Uncertain significance (1 of 4 stars; one submission).

Submission:

Labcorp Genetics (formerly Invitae), Labcorp
Classification: Uncertain significance. Last evaluated: 2024-09-14. Review status: criteria provided, single submitter. Criteria: Invitae Variant Classification Sherloc (09022015). Collection method: clinical testing. Allele origin: germline.
Comment: This sequence change replaces glutamic acid, which is acidic and polar, with aspartic acid, which is acidic and polar, at codon 256 of the ZNF513 protein (p.Glu256Asp). This variant is not present in population databases (gnomAD no frequency). This variant has not been reported in the literature in individuals affected with ZNF513-related conditions. An algorithm developed to predict the effect of missense changes on protein structure and function (PolyPhen-2) suggests that this variant is likely to be tolerated. In summary, the available evidence is currently insufficient to determine the role of this variant in disease. Therefore, it has been classified as a Variant of Uncertain Significance.